The following is an entry in ClinVar:

NM_000548.5(TSC2):c.4664G>A (p.Ser1555Asn)

Gene: TSC2 (TSC complex subunit 2; plus strand). Cytogenetic location: 16p13.3.
Variant type: single nucleotide variant.
Coding change: c.4664G>A on transcript NM_000548.5 (MANE Select); coding-DNA position 4664, G replaced by A.
Protein change: p.Ser1555Asn; replaces serine 1555 with asparagine.
Molecular consequence: missense variant.
Genome position (GRCh38, 1-based): chr16:2,086,194, G>A. VCF-style: chr16-2086194-G-A. GRCh37 (hg19) VCF-style: chr16-2136195-G-A.
Other names: c.4463G>A, p.Ser1488Asn (NM_001077183.3); c.4595G>A, p.Ser1532Asn (NM_001114382.3); c.4355G>A, p.Ser1452Asn (NM_001318827.2); c.4319G>A, p.Ser1440Asn (NM_001318829.2); c.3932G>A, p.Ser1311Asn (NM_001318831.2); c.4496G>A, p.Ser1499Asn (NM_001318832.2); c.4466G>A, p.Ser1489Asn (NM_001363528.2); c.4532G>A, p.Ser1511Asn (NM_001370404.1); and 1 more; short protein forms S1440N, S1489N, S1499N, S1511N, S1512N, S1311N, S1488N, S1452N.
Identifiers: ClinVar variation 851592 (VCV000851592.36), dbSNP rs1354678802, ClinGen allele CA394306842.
Genomic context (GRCh38, chr16:2,086,194, plus strand): 5'-CTGCGGGGCAGGGCCCGGCCCGGGAGTGATGCCACCCTGCCTCTCCCCTCTCCCCACAGA[G>A]CAACAGCGAGCTCGCCATCCTGTCCAATGAGCATGGCTCCTACAGGTACACGGAGTTCCT-3'
Protein context (NP_000539.2, residues 1545-1565): IAVLYVGEGQ[Ser1555Asn]NSELAILSNE

ClinVar aggregate classification (germline): Uncertain significance. Review status: criteria provided, multiple submitters, no conflicts (2 of 4 stars). 3 submissions from 3 submitters: Uncertain significance (3). Last evaluated 2025-04-19.

Conditions:
Hereditary cancer-predisposing syndrome. Also called: Hereditary Cancer Syndrome; Neoplastic Syndromes, Hereditary; Tumor predisposition; Hereditary neoplastic syndrome. Identifiers: Orphanet 140162, MedGen C0027672, MeSH D009386, MONDO:0015356.
Tuberous sclerosis 2 (TSC2). Identifiers: Orphanet 805, MedGen C1860707, MONDO:0013199, OMIM 613254.

Allele frequency attached by ClinVar (database versions not stated): gnomAD exomes below 0.00001.
gnomAD v4.1: 2 of 1,612,304 alleles (0.00012%); highest among the groups gnomAD compares: Non-Finnish European, 0.000085%; no homozygotes.

Submissions (3):

Ambry Genetics
Classification: Uncertain significance for Hereditary cancer-predisposing syndrome. Last evaluated: 2025-04-19. Review status: criteria provided, single submitter. Criteria: Ambry Variant Classification Scheme 2023. Collection method: clinical testing. Allele origin: germline.
Comment: The p.S1555N variant (also known as c.4664G>A), located in coding exon 36 of the TSC2 gene, results from a G to A substitution at nucleotide position 4664. The serine at codon 1555 is replaced by asparagine, an amino acid with highly similar properties. This amino acid position is not well conserved in available vertebrate species. In addition, the in silico prediction for this alteration is inconclusive. Since supporting evidence is limited at this time, the clinical significance of this alteration remains unclear.

Labcorp Genetics (formerly Invitae), Labcorp
Classification: Uncertain significance for Tuberous sclerosis 2. Last evaluated: 2025-04-01. Review status: criteria provided, single submitter. Criteria: Invitae Variant Classification Sherloc (09022015). Collection method: clinical testing. Allele origin: germline.
Comment: This sequence change replaces serine, which is neutral and polar, with asparagine, which is neutral and polar, at codon 1555 of the TSC2 protein (p.Ser1555Asn). This variant is present in population databases (no rsID available, gnomAD 0.0009%). This variant has not been reported in the literature in individuals affected with TSC2-related conditions. ClinVar contains an entry for this variant (Variation ID: 851592). An algorithm developed to predict the effect of missense changes on protein structure and function (PolyPhen-2) suggests that this variant is likely to be tolerated. In summary, the available evidence is currently insufficient to determine the role of this variant in disease. Therefore, it has been classified as a Variant of Uncertain Significance.

CeGaT Center for Human Genetics Tuebingen
Classification: Uncertain significance. Last evaluated: 2023-02-01. Review status: criteria provided, single submitter. Criteria: CeGaT Center For Human Genetics Tuebingen Variant Classification Criteria Version 2. Collection method: clinical testing. Allele origin: germline. Affected: yes. Observed: 1 variant allele.
Comment: TSC2: PM2